The following is an entry in ClinVar:

NM_001375905.1(SGMS2):c.894+1G>T

Genes: CYP2U1-AS1 (CYP2U1 and SGMS2 antisense RNA 1; minus strand), SGMS2 (sphingomyelin synthase 2; plus strand). Cytogenetic location: 4q25.
Variant type: single nucleotide variant.
Coding change: c.894+1G>T on transcript NM_001375905.1 (MANE Select); the canonical splice donor site of the intron after coding-DNA position 894, G replaced by T.
Molecular consequence: splice donor variant. On other transcripts: intron variant (1).
Genome position (GRCh38, 1-based): chr4:107,908,732, G>T. VCF-style: chr4-107908732-G-T. GRCh37 (hg19) VCF-style: chr4-108829888-G-T.
Other names: c.894+1G>T (NM_001375906.1, NM_001375908.1, NM_001136258.2 and 3 more transcripts); c.728-1618G>T (NM_001375910.1); c.375+1G>T (NM_001375911.1).
Identifiers: ClinVar variation 2758343 (VCV002758343.3), dbSNP rs2476815331, ClinGen allele CA357827814.

ClinVar aggregate classification (germline): Uncertain significance (1 of 4 stars; one submission).

Allele frequency attached by ClinVar (database versions not stated): gnomAD exomes below 0.00001.
gnomAD v4.1: 2 of 1,610,510 alleles (0.00012%); highest among the groups gnomAD compares: Non-Finnish European, 0.00017%; no homozygotes.

Submission:

Labcorp Genetics (formerly Invitae), Labcorp
Classification: Uncertain significance. Last evaluated: 2023-12-07. Review status: criteria provided, single submitter. Criteria: Invitae Variant Classification Sherloc (09022015). Collection method: clinical testing. Allele origin: germline.
Comment: This sequence change falls in intron 5 of the SGMS2 gene. It does not directly change the encoded amino acid sequence of the SGMS2 protein. It affects a nucleotide within the consensus splice site. This variant is not present in population databases (gnomAD no frequency). This variant has not been reported in the literature in individuals affected with SGMS2-related conditions. Variants that disrupt the consensus splice site are a relatively common cause of aberrant splicing (PMID: 17576681, 9536098). Algorithms developed to predict the effect of sequence changes on RNA splicing suggest that this variant may disrupt the consensus splice site. In summary, the available evidence is currently insufficient to determine the role of this variant in disease. Therefore, it has been classified as a Variant of Uncertain Significance.

Literature cited by the submitters: PubMed 17576681; PubMed 9536098.